The following is an entry in ClinVar:

ClinVar aggregate classification (germline): Uncertain significance (1 of 4 stars; one submission).

gnomAD v4.1: 29 of 1,577,304 alleles (0.0018%); highest among the groups gnomAD compares: Admixed American, 0.05%; no homozygotes.

Submission:

Dasa
Classification: Uncertain significance. Last evaluated: 2026-06-13. Review status: criteria provided, single submitter. Criteria: DASA Assertion Criteria. Collection method: clinical testing. Allele origin: germline.
Comment: NM_001385012.1(NBEA):c.7655T>C (p.Phe2552Ser) is a missense variant that results in the substitution of phenylalanine with serine. This variant is rare in population databases. The currently available literature and clinical evidence are not sufficient to establish a definitive association between this variant and the reported condition. Therefore, this variant is classified as a variant of uncertain significance.

NM_001385012.1(NBEA):c.7655T>C (p.Phe2552Ser)

Gene: NBEA (neurobeachin; plus strand). Cytogenetic location: 13q13.3.
Variant type: single nucleotide variant.
Coding change: c.7655T>C on transcript NM_001385012.1 (MANE Select); coding-DNA position 7655, T replaced by C.
Protein change: p.Phe2552Ser; replaces phenylalanine 2552 with serine.
Molecular consequence: missense variant. On other transcripts: intron variant (2).
Genome position (GRCh38, 1-based): chr13:35,645,906, T>C. VCF-style: chr13-35645906-T-C. GRCh37 (hg19) VCF-style: chr13-36220043-T-C.
Other names: c.7646T>C, p.Phe2549Ser (NM_001379245.1); c.7618-353T>C (NM_015678.5); c.997-353T>C (NM_001204197.3); short protein forms F2549S, F2552S.
Identifiers: ClinVar variation 5020386 (VCV005020386.1).